The following is an entry in ClinVar:

ClinVar aggregate classification (germline): Uncertain significance (1 of 4 stars; one submission).

Conditions:
Hyperammonemic encephalopathy due to carbonic anhydrase VA deficiency. Also called: Carbonic Anhydrase VA Deficiency; Carbonic anhydrase VA deficiency, hyperammonemia due to. Identifiers: Orphanet 401948, MedGen C4706871, MONDO:0014332, OMIM 615751.

Allele frequency attached by ClinVar (database versions not stated): ExAC 0.00003; gnomAD 0.00005; 1000 Genomes Project 30x 0.00016; 1000 Genomes Project 0.00020.
gnomAD v4.1: 65 of 1,579,114 alleles (0.0041%); highest among the groups gnomAD compares: African/African-American, 0.047%; no homozygotes.

Submission:

Labcorp Genetics (formerly Invitae), Labcorp
Classification: Uncertain significance for Hyperammonemic encephalopathy due to carbonic anhydrase VA deficiency. Last evaluated: 2022-04-07. Review status: criteria provided, single submitter. Criteria: Invitae Variant Classification Sherloc (09022015). Collection method: clinical testing. Allele origin: germline.
Comment: This sequence change replaces proline, which is neutral and non-polar, with leucine, which is neutral and non-polar, at codon 237 of the CA5A protein (p.Pro237Leu). This variant is present in population databases (rs192069274, gnomAD 0.02%). This variant has not been reported in the literature in individuals affected with CA5A-related conditions. Algorithms developed to predict the effect of missense changes on protein structure and function (SIFT, PolyPhen-2, Align-GVGD) all suggest that this variant is likely to be disruptive. Experimental studies are conflicting or provide insufficient evidence to determine the effect of this variant on CA5A function (PMID: 26913920). In summary, the available evidence is currently insufficient to determine the role of this variant in disease. Therefore, it has been classified as a Variant of Uncertain Significance.

Literature cited by the submitters: PubMed 26913920.

NM_001739.2(CA5A):c.710C>T (p.Pro237Leu)

Gene: CA5A (carbonic anhydrase 5A; minus strand). Cytogenetic location: 16q24.2.
Variant type: single nucleotide variant.
Coding change: c.710C>T on transcript NM_001739.2 (MANE Select); coding-DNA position 710, C replaced by T.
Protein change: p.Pro237Leu; replaces proline 237 with leucine.
Molecular consequence: missense variant. On other transcripts: non-coding transcript variant (2).
Genome position (GRCh38, 1-based): chr16:87,891,863, G>A on the plus strand (C>T on the coding strand, the complement: CA5A is on the minus strand). VCF-style: chr16-87891863-G-A. GRCh37 (hg19) VCF-style: chr16-87925469-G-A.
Other names: c.710C>T, p.Pro237Leu (NM_001367225.1); short protein forms P237L.
Identifiers: ClinVar variation 2147842 (VCV002147842.3), dbSNP rs192069274, ClinGen allele CA8223310.
Genomic context (GRCh38, chr16:87,891,863, plus strand): 5'-CTTGGGGCCACTTCAACGGGCTCCTTCTGGATGATCCAGGTGACCGACTCGGTCAGCGGC[G>A]GGGTGGTGAGCGAGCCCGCGTAGGTCCAGTAATCCCAGCAGGTGGGCAGCAGAGTGGAGG-3'
Protein context (NP_001730.1, residues 227-247): YWTYAGSLTT[Pro237Leu]PLTESVTWII